The following is an entry in ClinVar:

NM_032122.5(DTNBP1):c.222+5A>G

Gene: DTNBP1 (dystrobrevin binding protein 1; minus strand). Cytogenetic location: 6p22.3.
Variant type: single nucleotide variant.
Coding change: c.222+5A>G on transcript NM_032122.5 (MANE Select); 5 bases into the intron after coding-DNA position 222, A replaced by G.
Molecular consequence: intron variant.
Genome position (GRCh38, 1-based): chr6:15,637,739, T>C on the plus strand (A>G on the coding strand, the complement: DTNBP1 is on the minus strand). VCF-style: chr6-15637739-T-C. GRCh37 (hg19) VCF-style: chr6-15637970-T-C.
Other names: c.117+5A>G (NM_001271669.2); c.171+5A>G (NM_001271668.2); c.-22+5A>G (NM_001271667.2); c.222+5A>G (NM_183040.2).
Identifiers: ClinVar variation 1497302 (VCV001497302.4), dbSNP rs747939576, ClinGen allele CA3644209.

ClinVar aggregate classification (germline): Uncertain significance (1 of 4 stars; one submission).

Allele frequency attached by ClinVar (database versions not stated): ExAC 0.00002; gnomAD exomes 0.00002 and 0.00005; TOPMed 0.00002; gnomAD 0.00003.
gnomAD v4.1: 81 of 1,613,734 alleles (0.005%); highest among the groups gnomAD compares: Non-Finnish European, 0.0065%; no homozygotes.

Submission:

Labcorp Genetics (formerly Invitae), Labcorp
Classification: Uncertain significance. Last evaluated: 2023-10-31. Review status: criteria provided, single submitter. Criteria: Invitae Variant Classification Sherloc (09022015). Collection method: clinical testing. Allele origin: germline.
Comment: This sequence change falls in intron 4 of the DTNBP1 gene. It does not directly change the encoded amino acid sequence of the DTNBP1 protein. It affects a nucleotide within the consensus splice site. This variant is present in population databases (rs747939576, gnomAD 0.004%). This variant has not been reported in the literature in individuals affected with DTNBP1-related conditions. ClinVar contains an entry for this variant (Variation ID: 1497302). Variants that disrupt the consensus splice site are a relatively common cause of aberrant splicing (PMID: 17576681, 9536098). Algorithms developed to predict the effect of sequence changes on RNA splicing suggest that this variant is not likely to affect RNA splicing. In summary, the available evidence is currently insufficient to determine the role of this variant in disease. Therefore, it has been classified as a Variant of Uncertain Significance.

Literature cited by the submitters: PubMed 17576681; PubMed 9536098.